The following is an entry in ClinVar:

NM_004168.4(SDHA):c.251G>A (p.Gly84Glu)

Gene: SDHA (succinate dehydrogenase complex flavoprotein subunit A; plus strand). Cytogenetic location: 5p15.33.
Variant type: single nucleotide variant.
Coding change: c.251G>A on transcript NM_004168.4 (MANE Select); coding-DNA position 251, G replaced by A.
Protein change: p.Gly84Glu; replaces glycine 84 with glutamic acid.
Molecular consequence: missense variant.
Genome position (GRCh38, 1-based): chr5:224,460, G>A. VCF-style: chr5-224460-G-A. GRCh37 (hg19) VCF-style: chr5-224575-G-A.
Other names: c.251G>A (NM_004168.2); c.251G>A, p.Gly84Glu (NM_001294332.2, NM_001330758.2); short protein forms G84E.
Identifiers: ClinVar variation 1370775 (VCV001370775.8), dbSNP rs199615452, ClinGen allele CA112814669.

ClinVar aggregate classification (germline): Conflicting classifications of pathogenicity. Review status: criteria provided, conflicting classifications (1 of 4 stars). 3 submissions from 3 submitters: Uncertain significance (2); Likely benign (1). Last evaluated 2025-07-02.

Conditions:
Pheochromocytoma/paraganglioma syndrome 5. Also called: Paragangliomas 5; SDHA-Related Hereditary Paraganglioma-Pheochromocytoma Syndrome. Identifiers: Orphanet 29072, MedGen C3279992, MONDO:0013602, OMIM 614165.
Mitochondrial complex II deficiency, nuclear type 1. Also called: SUCCINATE CoQ REDUCTASE DEFICIENCY. Identifiers: Orphanet 3208, MedGen C5700310, MONDO:0100294, OMIM 252011.
Hereditary cancer-predisposing syndrome. Also called: Hereditary neoplastic syndrome; Hereditary Cancer Syndrome; Tumor predisposition; Neoplastic Syndromes, Hereditary. Identifiers: Orphanet 140162, MedGen C0027672, MeSH D009386, MONDO:0015356.

Allele frequency attached by ClinVar (database versions not stated): TOPMed below 0.00001.

Submissions (3):

Ambry Genetics
Classification: Uncertain significance for Hereditary cancer-predisposing syndrome. Last evaluated: 2025-07-02. Review status: criteria provided, single submitter. Criteria: Ambry Variant Classification Scheme 2023. Collection method: clinical testing. Allele origin: germline.
Comment: The p.G84E variant (also known as c.251G>A), located in coding exon 3 of the SDHA gene, results from a G to A substitution at nucleotide position 251. The glycine at codon 84 is replaced by glutamic acid, an amino acid with similar properties. This amino acid position is highly conserved in available vertebrate species. In addition, this alteration is predicted to be deleterious by in silico analysis. Based on the available evidence, the clinical significance of this variant remains unclear.

Labcorp Genetics (formerly Invitae), Labcorp
Classification: Uncertain significance for Pheochromocytoma/paraganglioma syndrome 5; Mitochondrial complex II deficiency, nuclear type 1. Last evaluated: 2024-12-04. Review status: criteria provided, single submitter. Criteria: Invitae Variant Classification Sherloc (09022015). Collection method: clinical testing. Allele origin: germline.
Comment: This sequence change replaces glycine, which is neutral and non-polar, with glutamic acid, which is acidic and polar, at codon 84 of the SDHA protein (p.Gly84Glu). This variant is not present in population databases (gnomAD no frequency). This variant has not been reported in the literature in individuals affected with SDHA-related conditions. ClinVar contains an entry for this variant (Variation ID: 1370775). Invitae Evidence Modeling of protein sequence and biophysical properties (such as structural, functional, and spatial information, amino acid conservation, physicochemical variation, residue mobility, and thermodynamic stability) has been performed for this missense variant. However, the output from this modeling did not meet the statistical confidence thresholds required to predict the impact of this variant on SDHA protein function. In summary, the available evidence is currently insufficient to determine the role of this variant in disease. Therefore, it has been classified as a Variant of Uncertain Significance.

Blueprint Genetics
Classification: Likely benign. Last evaluated: 2024-11-26. Review status: criteria provided, single submitter. Criteria: ACMG Guidelines, 2015. Collection method: clinical testing. Allele origin: germline.